The following is an entry in ClinVar:

ClinVar aggregate classification (germline): Uncertain significance (1 of 4 stars; one submission).

Conditions:
Ataxia-telangiectasia syndrome (AT). Also called: Ataxia telangiectasia (A-T); LOUIS-BAR SYNDROME; Cerebello-oculocutaneous telangiectasia; Immunodeficiency with ataxia telangiectasia; AT, COMPLEMENTATION GROUP C; Ataxia-telangiectasia, complementation group D. Identifiers: Orphanet 100, MedGen C0004135, MONDO:0008840, OMIM 208900.

Submission:

Labcorp Genetics (formerly Invitae), Labcorp
Classification: Uncertain significance for Ataxia-telangiectasia syndrome. Last evaluated: 2021-12-03. Review status: criteria provided, single submitter. Criteria: Invitae Variant Classification Sherloc (09022015). Collection method: clinical testing. Allele origin: germline.
Comment: This sequence change replaces lysine, which is basic and polar, with arginine, which is basic and polar, at codon 129 of the ATM protein (p.Lys129Arg). This variant is not present in population databases (gnomAD no frequency). This variant has not been reported in the literature in individuals affected with ATM-related conditions. Advanced modeling of protein sequence and biophysical properties (such as structural, functional, and spatial information, amino acid conservation, physicochemical variation, residue mobility, and thermodynamic stability) performed at Invitae indicates that this missense variant is not expected to disrupt ATM protein function. In summary, the available evidence is currently insufficient to determine the role of this variant in disease. Therefore, it has been classified as a Variant of Uncertain Significance.

NM_000051.4(ATM):c.386A>G (p.Lys129Arg)

Gene: ATM (ATM serine/threonine kinase; plus strand). Cytogenetic location: 11q22.3.
Variant type: single nucleotide variant.
Coding change: c.386A>G on transcript NM_000051.4 (MANE Select); coding-DNA position 386, A replaced by G.
Protein change: p.Lys129Arg; replaces lysine 129 with arginine.
Molecular consequence: missense variant.
Genome position (GRCh38, 1-based): chr11:108,235,724, A>G. VCF-style: chr11-108235724-A-G. GRCh37 (hg19) VCF-style: chr11-108106451-A-G.
Other names: c.386A>G, p.Lys129Arg (NM_001351834.2); short protein forms K129R.
Identifiers: ClinVar variation 1428472 (VCV001428472.6), dbSNP rs2135122598, ClinGen allele CA382524844.